The following is an entry in ClinVar:

ClinVar aggregate classification (germline): Conflicting classifications of pathogenicity. Review status: criteria provided, conflicting classifications (1 of 4 stars). 5 submissions from 4 submitters: Uncertain significance (1); Benign (2); Likely benign (1). 1 of the submissions does not count toward it. Last evaluated 2026-01-26.

Conditions:
Glucocorticoid-remediable aldosteronism. Also called: Hyperaldosteronism, familial, type I; ACTH-DEPENDENT HYPERALDOSTERONISM SYNDROME; ALDOSTERONISM, SENSITIVE TO DEXAMETHASONE; FH I; GLUCOCORTICOID-SUPPRESSIBLE HYPERALDOSTERONISM. Identifiers: Orphanet 403, MedGen C3838731, MONDO:0007080, OMIM 103900.
Deficiency of steroid 11-beta-monooxygenase (CYP11B1). Also called: ADRENAL HYPERPLASIA, CONGENITAL, DUE TO STEROID 11-BETA-HYDROXYLASE DEFICIENCY; 11-BETA-HYDROXYLASE DEFICIENCY; ADRENAL HYPERPLASIA IV; P450C11B1 DEFICIENCY; STEROID 11-BETA-HYDROXYLASE DEFICIENCY; Congenital adrenal hyperplasia due to 11-beta-hydroxylase deficiency. Identifiers: Orphanet 90795, MedGen C0268292, MONDO:0008729, OMIM 202010. Disease mechanism: loss of function.

Allele frequency attached by ClinVar (database versions not stated): TOPMed 0.00006; gnomAD 0.00009 and 0.00046; gnomAD exomes 0.00062 and 0.00099; ExAC 0.00114; 1000 Genomes Project 30x 0.00234; 1000 Genomes Project 0.00300.

Submissions (5):

Labcorp Genetics (formerly Invitae), Labcorp
Classification: Benign. Last evaluated: 2026-01-26. Review status: criteria provided, single submitter. Criteria: Invitae Variant Classification Sherloc (09022015). Collection method: clinical testing. Allele origin: germline.

Athena Diagnostics
Classification: Likely benign. Last evaluated: 2018-07-11. Review status: criteria provided, single submitter. Criteria: Athena Diagnostics Criteria. Collection method: clinical testing. Allele origin: germline.

Illumina Laboratory Services, Illumina
Classification: Uncertain significance for Deficiency of steroid 11-beta-monooxygenase. Last evaluated: 2018-01-13. Review status: criteria provided, single submitter. Criteria: ICSL Variant Classification Criteria 13 December 2019. Collection method: clinical testing. Allele origin: germline.

Illumina Laboratory Services, Illumina
Classification: Benign for Glucocorticoid-remediable aldosteronism. Last evaluated: 2018-01-13. Review status: criteria provided, single submitter. Criteria: ICSL Variant Classification Criteria 13 December 2019. Collection method: clinical testing. Allele origin: germline.
Comment: This variant was observed in the ICSL laboratory as part of a predisposition screen in an ostensibly healthy population. It had not been previously curated by ICSL or reported in the Human Gene Mutation Database (HGMD: prior to June 1st, 2018), and was therefore a candidate for classification through an automated scoring system. Utilizing variant allele frequency, disease prevalence and penetrance estimates, and inheritance mode, an automated score was calculated to assess if this variant is too frequent to cause the disease. Based on the score and internal cut-off values, a variant classified as benign is not then subjected to further curation. The score for this variant resulted in a classification of benign for this disease.

Counsyl
Classification: Uncertain significance for Deficiency of steroid 11-beta-monooxygenase. Last evaluated: 2017-01-20. Review status: no assertion criteria provided. Collection method: clinical testing. Allele origin: unknown. Not counted in ClinVar's aggregate classification.

Literature cited by the submitters: PubMed 27376426 (cited by Athena Diagnostics and Counsyl).

NM_000497.4(CYP11B1):c.1451T>A (p.Val484Asp)

Genes: CYP11B1 (cytochrome P450 family 11 subfamily B member 1; minus strand), LOC106799833 (CYP11B1 recombination region; plus strand). Cytogenetic location: 8q24.3.
Variant type: single nucleotide variant.
Coding change: c.1451T>A on transcript NM_000497.4 (MANE Select); coding-DNA position 1451, T replaced by A.
Protein change: p.Val484Asp; replaces valine 484 with aspartic acid.
Molecular consequence: missense variant.
Genome position (GRCh38, 1-based): chr8:142,874,434, A>T on the plus strand (T>A on the coding strand, the complement: CYP11B1 is on the minus strand). VCF-style: chr8-142874434-A-T. GRCh37 (hg19) VCF-style: chr8-143955850-A-T.
Other names: c.1253T>A, p.Val418Asp (NM_001026213.1); short protein forms V484D, V418D.
Identifiers: ClinVar variation 362145 (VCV000362145.17), dbSNP rs374517238, ClinGen allele CA4904948.